The following is an entry in ClinVar:

NC_012920.1(MT-ND2):m.5273A>T

Gene: MT-ND2 (mitochondrially encoded NADH dehydrogenase 2; plus strand).
Variant type: single nucleotide variant.
Genome position: chrM-5273-A-T.
Identifiers: ClinVar variation 692564 (VCV000692564.1), dbSNP rs1603219868, ClinGen allele CA414779609.

ClinVar aggregate classification (germline): Likely benign (1 of 4 stars; one submission).

Conditions:
Leigh syndrome (NULS). Also called: Leigh's necrotizing encephalopathy; Leigh's disease; Leigh Syndrome (mtDNA deletion); Leigh Disease; Subacute necrotizing encephalopathy; Necrotizing encephalopathy infantile subacute of Leigh. Identifiers: Orphanet 506, MedGen C2931891, MONDO:0009723, OMIM 256000.

Submission:

Wong Mito Lab, Molecular and Human Genetics, Baylor College of Medicine
Classification: Likely benign for Leigh syndrome. Last evaluated: 2019-10-17. Review status: criteria provided, single submitter. Criteria: Modified ACMG Guidelines (Unpublished). Collection method: clinical testing. Allele origin: germline.
Comment: The NC_012920.1:m.5273A>T (YP_003024027.1:p.Glu268Asp) variant in MTND2 gene is interpretated to be a Likely Benign variant based on the modified ACMG guidelines (unpublished). This variant meets the following evidence codes: BS4, BP4, BP6